The following is an entry in ClinVar:

ClinVar aggregate classification (germline): Uncertain significance (1 of 4 stars; one submission).

Conditions:
Arrhythmogenic cardiomyopathy with wooly hair and keratoderma. Also called: PALMOPLANTAR KERATODERMA WITH LEFT VENTRICULAR CARDIOMYOPATHY AND WOOLLY HAIR; Carvajal syndrome; Dilated cardiomyopathy with woolly hair and keratoderma; Arrhythmogenic cardiomyopathy with woolly hair and keratoderma. Identifiers: Orphanet 65282, MedGen C1854063, MONDO:0011581, OMIM 605676.
Arrhythmogenic right ventricular dysplasia 8 (ARVD8). Also called: Arrhythmogenic Right Ventricular Dysplasia/Cardiomyopathy 8; ARRHYTHMOGENIC RIGHT VENTRICULAR DYSPLASIA, FAMILIAL, 8; ARRHYTHMOGENIC RIGHT VENTRICULAR CARDIOMYOPATHY 8. Identifiers: MedGen C1843896, MONDO:0011831, OMIM 607450.

Allele frequency attached by ClinVar (database versions not stated): gnomAD exomes below 0.00001.
gnomAD v4.1: 1 of 1,614,184 alleles (0.000062%); highest among the groups gnomAD compares: Non-Finnish European, 0.000085%; no homozygotes.

Submission:

Labcorp Genetics (formerly Invitae), Labcorp
Classification: Uncertain significance for Arrhythmogenic cardiomyopathy with wooly hair and keratoderma; Arrhythmogenic right ventricular dysplasia 8. Last evaluated: 2023-07-30. Review status: criteria provided, single submitter. Criteria: Invitae Variant Classification Sherloc (09022015). Collection method: clinical testing. Allele origin: germline.
Comment: An algorithm developed to predict the effect of missense changes on protein structure and function (PolyPhen-2) suggests that this variant is likely to be disruptive. In summary, the available evidence is currently insufficient to determine the role of this variant in disease. Therefore, it has been classified as a Variant of Uncertain Significance. This variant has not been reported in the literature in individuals affected with DSP-related conditions. This variant is not present in population databases (gnomAD no frequency). This sequence change replaces tyrosine, which is neutral and polar, with cysteine, which is neutral and slightly polar, at codon 1210 of the DSP protein (p.Tyr1210Cys).

NM_004415.4(DSP):c.3629A>G (p.Tyr1210Cys)

Gene: DSP (desmoplakin; plus strand). Cytogenetic location: 6p24.3.
Variant type: single nucleotide variant.
Coding change: c.3629A>G on transcript NM_004415.4 (MANE Select); coding-DNA position 3629, A replaced by G.
Protein change: p.Tyr1210Cys; replaces tyrosine 1210 with cysteine.
Molecular consequence: missense variant. On other transcripts: intron variant (1).
Genome position (GRCh38, 1-based): chr6:7,579,819, A>G. VCF-style: chr6-7579819-A-G. GRCh37 (hg19) VCF-style: chr6-7580052-A-G.
Other names: c.3629A>G, p.Tyr1210Cys (NM_001319034.2); c.3582+47A>G (NM_001008844.3); short protein forms Y1210C.
Identifiers: ClinVar variation 2950485 (VCV002950485.3), dbSNP rs1759361937, ClinGen allele CA362684503.